The following is an entry in ClinVar:

NM_004783.4(TAOK2):c.3108C>T (p.Val1036=)

Gene: TAOK2 (TAO kinase 2; plus strand). Cytogenetic location: 16p11.2.
Variant type: single nucleotide variant.
Coding change: c.3108C>T on transcript NM_004783.4; coding-DNA position 3108, C replaced by T.
Protein change: p.Val1036=; no amino-acid change (valine 1036 retained).
Molecular consequence: synonymous variant.
Genome position (GRCh38, 1-based): chr16:29,991,526, C>T. VCF-style: chr16-29991526-C-T. GRCh37 (hg19) VCF-style: chr16-30002847-C-T.
Identifiers: ClinVar variation 3050087 (VCV003050087.2), dbSNP rs56387705, ClinGen allele CA7998870.
Genomic context (GRCh38, chr16:29,991,526, plus strand): 5'-TGAGAATGTGGGCCCCCCTGCTGCCGCGGTGCCCGGGCCCCTGAGCCGCAGCACCAGTGT[C>T]GCTTCCCACATCCTCAATGGTTCTTCCCACTTCTATTCCTGAGGTGCAGCGGGGAGGAGC-3'

ClinVar aggregate classification (germline): Benign (0 of 4 stars; one submission).

Conditions:
TAOK2-related disorder. Also called: TAOK2-related condition.

Allele frequency attached by ClinVar (database versions not stated): ESP Exome Variant Server 0.00283; TOPMed 0.00457; gnomAD exomes 0.00036; ExAC 0.00439; 1000 Genomes Project 30x 0.00671; gnomAD 0.00390; 1000 Genomes Project 0.00539.
gnomAD v4.1: 1,087 of 1,482,316 alleles (0.073%); highest among the groups gnomAD compares: African/African-American, 1.4%; 6 homozygotes.

Submission:

PreventionGenetics, part of Exact Sciences
Classification: Benign for TAOK2-related condition. Last evaluated: 2019-08-28. Review status: no assertion criteria provided. Collection method: clinical testing. Allele origin: germline.
Comment: This variant is classified as benign based on ACMG/AMP sequence variant interpretation guidelines (Richards et al. 2015 PMID: 25741868, with internal and published modifications).